The following is an entry in ClinVar:

NM_004370.6(COL12A1):c.4590G>A (p.Met1530Ile)

Gene: COL12A1 (collagen type XII alpha 1 chain; minus strand). Cytogenetic location: 6q13.
Variant type: single nucleotide variant.
Coding change: c.4590G>A on transcript NM_004370.6 (MANE Select); coding-DNA position 4590, G replaced by A.
Protein change: p.Met1530Ile; replaces methionine 1530 with isoleucine.
Molecular consequence: missense variant.
Genome position (GRCh38, 1-based): chr6:75,145,426, C>T on the plus strand (G>A on the coding strand, the complement: COL12A1 is on the minus strand). VCF-style: chr6-75145426-C-T. GRCh37 (hg19) VCF-style: chr6-75855142-C-T.
Other names: c.1098G>A, p.Met366Ile (NM_080645.3); short protein forms M1530I, M366I.
Identifiers: ClinVar variation 2416492 (VCV002416492.7), dbSNP rs1328141615, ClinGen allele CA364743155.

ClinVar aggregate classification (germline): Uncertain significance (1 of 4 stars; one submission).

Conditions:
Ullrich congenital muscular dystrophy 2 (UCMD2). Identifiers: Orphanet 75840, MedGen C4225314, MONDO:0014654, OMIM 616470.
Bethlem myopathy 2 (BTHLM2). Identifiers: Orphanet 536516, Orphanet 610, MedGen C4225313, MONDO:0034022, OMIM 616471.

Allele frequency attached by ClinVar (database versions not stated): gnomAD exomes below 0.00001; TOPMed below 0.00001.

Submission:

Labcorp Genetics (formerly Invitae), Labcorp
Classification: Uncertain significance for Bethlem myopathy 2; Ullrich congenital muscular dystrophy 2. Last evaluated: 2022-05-17. Review status: criteria provided, single submitter. Criteria: Invitae Variant Classification Sherloc (09022015). Collection method: clinical testing. Allele origin: germline.
Comment: This sequence change replaces methionine, which is neutral and non-polar, with isoleucine, which is neutral and non-polar, at codon 1530 of the COL12A1 protein (p.Met1530Ile). This variant is present in population databases (no rsID available, gnomAD 0.0009%). This variant has not been reported in the literature in individuals affected with COL12A1-related conditions. Algorithms developed to predict the effect of missense changes on protein structure and function (SIFT, PolyPhen-2, Align-GVGD) all suggest that this variant is likely to be tolerated. In summary, the available evidence is currently insufficient to determine the role of this variant in disease. Therefore, it has been classified as a Variant of Uncertain Significance.